The following is an entry in ClinVar:

NM_020461.4(TUBGCP6):c.2609del (p.Lys870fs)

Gene: TUBGCP6 (tubulin gamma complex component 6; minus strand). Cytogenetic location: 22q13.33.
Variant type: Deletion.
Coding change: c.2609del on transcript NM_020461.4 (MANE Select); coding-DNA position 2609, one base deleted (A; older notation c.2609delA).
Protein change: p.Lys870fs; shifts the reading frame from lysine 870.
Molecular consequence: frameshift variant.
Genome position (GRCh38, 1-based): chr22:50,221,750, T deleted on the plus strand (A on the coding strand, the reverse complement: TUBGCP6 is on the minus strand); the first of 2 consecutive T bases (chr22:50,221,750-50,221,751); deleting either gives the same sequence. VCF-style (leftmost placement, unchanged base first): chr22-50221749-CT-C. GRCh37 (hg19) VCF-style: chr22-50660178-CT-C.
Other names: short protein forms K870fs.
Identifiers: ClinVar variation 1458899 (VCV001458899.6), dbSNP rs1276849158, ClinGen allele CA754040711.

ClinVar aggregate classification (germline): Pathogenic (1 of 4 stars; one submission).

Submission:

Labcorp Genetics (formerly Invitae), Labcorp
Classification: Pathogenic. Last evaluated: 2023-11-27. Review status: criteria provided, single submitter. Criteria: Invitae Variant Classification Sherloc (09022015). Collection method: clinical testing. Allele origin: germline.
Comment: This sequence change creates a premature translational stop signal (p.Lys870Serfs*3) in the TUBGCP6 gene. It is expected to result in an absent or disrupted protein product. Loss-of-function variants in TUBGCP6 are known to be pathogenic (PMID: 25344692). This variant is not present in population databases (gnomAD no frequency). This variant has not been reported in the literature in individuals affected with TUBGCP6-related conditions. ClinVar contains an entry for this variant (Variation ID: 1458899). For these reasons, this variant has been classified as Pathogenic.

Literature cited by the submitters: PubMed 25344692.